The following is an entry in ClinVar:

ClinVar aggregate classification (germline): Conflicting classifications of pathogenicity. Review status: criteria provided, conflicting classifications (1 of 4 stars). 12 submissions from 12 submitters: Uncertain significance (1); Benign (5); Likely benign (5). 1 of the submissions does not count toward it. Last evaluated 2026-05-26.

Conditions:
KIT-related disorder. Also called: KIT-related condition.
Hereditary cancer-predisposing syndrome. Also called: Tumor predisposition; Neoplastic Syndromes, Hereditary; Hereditary neoplastic syndrome; Hereditary Cancer Syndrome. Identifiers: Orphanet 140162, MedGen C0027672, MeSH D009386, MONDO:0015356.
Gastrointestinal stromal tumor. Also called: Gastrointestinal stromal tumor, somatic; Gastrointestinal stroma tumor. Identifiers: Orphanet 44890, MedGen C0238198, MeSH D046152, MONDO:0011719, OMIM 606764, HP:0100723.
Piebaldism. Also called: Piebald skin depigmentation. Identifiers: Orphanet 2884, MedGen C0080024, MONDO:0008244, OMIM 172800, HP:0007544.

Allele frequency attached by ClinVar (database versions not stated): gnomAD exomes 0.00083; ExAC 0.00095; gnomAD 0.00316 and 0.00342; ESP Exome Variant Server 0.00338; 1000 Genomes Project 0.00339; TOPMed 0.00366; 1000 Genomes Project 30x 0.00406.
gnomAD v4.1: 919 of 1,614,132 alleles (0.057%); highest among the groups gnomAD compares: African/African-American, 1.1%; 5 homozygotes.

Submissions (12):

Myriad Genetics, Inc.
Classification: Likely benign for Gastrointestinal stromal tumor. Last evaluated: 2026-05-26. Review status: criteria provided, single submitter. Criteria: Myriad Autosomal Dominant, Autosomal Recessive and X-Linked Classification Criteria (2023). Collection method: clinical testing. Allele origin: unknown.
Comment: This variant is considered likely benign. This variant has been observed at a population frequency that is significantly greater than expected given the associated disease prevalence and penetrance.

Labcorp Genetics (formerly Invitae), Labcorp
Classification: Benign for Gastrointestinal stromal tumor. Last evaluated: 2026-02-04. Review status: criteria provided, single submitter. Criteria: Invitae Variant Classification Sherloc (09022015). Collection method: clinical testing. Allele origin: germline.

Dasa
Classification: Benign. Last evaluated: 2026-01-05. Review status: criteria provided, single submitter. Criteria: DASA Assertion Criteria. Collection method: clinical testing. Allele origin: germline.
Comment: NM_000222.3(KIT):c.532G>A (p.Ala178Thr) is a missense variant that results in the substitution of alanine with threonine. Population frequency is inconsistent with a disease-causing role for this variant, and observations in unaffected individuals support a benign interpretation. Computational prediction algorithms are consistent with a benign effect. Therefore, based on the currently available evidence, this variant is classified as benign.

CeGaT Center for Human Genetics Tuebingen
Classification: Likely benign. Last evaluated: 2025-02-01. Review status: criteria provided, single submitter. Criteria: CeGaT Center For Human Genetics Tuebingen Variant Classification Criteria Version 2. Collection method: clinical testing. Allele origin: germline. Affected: yes. Observed: 1 variant allele.
Comment: KIT: BP4, BS1

Blueprint Genetics
Classification: Likely benign. Last evaluated: 2024-11-21. Review status: criteria provided, single submitter. Criteria: ACMG Guidelines, 2015. Collection method: clinical testing. Allele origin: germline.

ARUP Laboratories, Molecular Genetics and Genomics, ARUP Laboratories
Classification: Likely benign. Last evaluated: 2022-10-20. Review status: criteria provided, single submitter. Criteria: ARUP Molecular Germline Variant Investigation Process 2021. Collection method: clinical testing. Allele origin: germline.

Sema4
Classification: Benign for Hereditary cancer-predisposing syndrome. Last evaluated: 2021-05-03. Review status: criteria provided, single submitter. Criteria: Sema4 Curation Guidelines. Collection method: curation. Allele origin: germline.

GeneDx
Classification: Benign. Last evaluated: 2021-03-10. Review status: criteria provided, single submitter. Criteria: GeneDx Variant Classification Process June 2021. Collection method: clinical testing. Allele origin: germline. Affected: yes.
Comment: This variant is associated with the following publications: (PMID: 32220041, 25637381, 8875953, 20981092, 22995991, 24055113)

Ambry Genetics
Classification: Benign for Hereditary cancer-predisposing syndrome. Last evaluated: 2018-12-14. Review status: criteria provided, single submitter. Criteria: Ambry Variant Classification Scheme 2023. Collection method: clinical testing. Allele origin: germline.

Center for Pediatric Genomic Medicine, Children's Mercy Hospital and Clinics
Classification: Likely benign. Last evaluated: 2017-08-15. Review status: criteria provided, single submitter. Criteria: ACMG Guidelines, 2015. Collection method: clinical testing. Allele origin: germline.

CSER _CC_NCGL, University of Washington
Classification: Uncertain significance for Piebaldism. Last evaluated: 2014-06-01. Review status: criteria provided, single submitter. Criteria: Amendola et al. (Genome Res. 2015). Collection method: research. Allele origin: germline. Inheritance: Autosomal dominant inheritance. Study: ESP 6500 variant annotation.
Comment: Low GERP score may suggest that this variant may belong in a lower pathogenicity class

Variants classified for the Actionable exomic incidental findings in 6503 participants: challenges of variant classification manuscript

PreventionGenetics, part of Exact Sciences
Classification: Benign for KIT-related condition. Last evaluated: 2019-07-12. Review status: no assertion criteria provided. Collection method: clinical testing. Allele origin: germline. Not counted in ClinVar's aggregate classification.
Comment: This variant is classified as benign based on ACMG/AMP sequence variant interpretation guidelines (Richards et al. 2015 PMID: 25741868, with internal and published modifications).

NM_000222.3(KIT):c.532G>A (p.Ala178Thr)

Gene: KIT (KIT proto-oncogene, receptor tyrosine kinase; plus strand). Cytogenetic location: 4q12.
Variant type: single nucleotide variant.
Coding change: c.532G>A on transcript NM_000222.3 (MANE Select); coding-DNA position 532, G replaced by A.
Protein change: p.Ala178Thr; replaces alanine 178 with threonine.
Molecular consequence: missense variant.
Genome position (GRCh38, 1-based): chr4:54,698,478, G>A. VCF-style: chr4-54698478-G-A. GRCh37 (hg19) VCF-style: chr4-55564644-G-A.
Other names: c.532G>A, p.Ala178Thr (NM_001093772.2, NM_001385284.1, NM_001385285.1 and 4 more transcripts); short protein forms A178T.
Identifiers: ClinVar variation 161259 (VCV000161259.34), dbSNP rs115585711, ClinGen allele CA211566.